The following is an entry in ClinVar:

ClinVar aggregate classification (germline): Likely benign (0 of 4 stars; one submission).

Conditions:
NPHP4-related disorder. Also called: NPHP4-related condition; NPHP4-related disorders. Identifiers: MedGen CN239384.

gnomAD v4.1: 58 of 1,610,960 alleles (0.0036%); highest among the groups gnomAD compares: Middle Eastern, 0.02%; no homozygotes.

Submission:

PreventionGenetics, part of Exact Sciences
Classification: Likely benign for NPHP4-related condition. Last evaluated: 2024-08-05. Review status: no assertion criteria provided. Collection method: clinical testing. Allele origin: germline.
Comment: This variant is classified as likely benign based on ACMG/AMP sequence variant interpretation guidelines (Richards et al. 2015 PMID: 25741868, with internal and published modifications).

NM_015102.5(NPHP4):c.3045C>T (p.Ser1015=)

Gene: NPHP4 (nephrocystin 4; minus strand). Cytogenetic location: 1p36.31.
Variant type: single nucleotide variant.
Coding change: c.3045C>T on transcript NM_015102.5 (MANE Select); coding-DNA position 3045, C replaced by T.
Protein change: p.Ser1015=; no amino-acid change (serine 1015 retained).
Molecular consequence: synonymous variant. On other transcripts: non-coding transcript variant (1).
Genome position (GRCh38, 1-based): chr1:5,874,657, G>A on the plus strand (C>T on the coding strand, the complement: NPHP4 is on the minus strand). VCF-style: chr1-5874657-G-A. GRCh37 (hg19) VCF-style: chr1-5934717-G-A.
Other names: c.1506C>T, p.Ser502= (NM_001291593.2); c.1509C>T, p.Ser503= (NM_001291594.2).
Identifiers: ClinVar variation 3357680 (VCV003357680.1).
Genomic context (GRCh38, chr1:5,874,657, plus strand): 5'-CGGTGTGTGCAGGCCAGCAGCACCCTTGAAGTCCCTCCACTCCTGACTGTCCACGATGAC[G>A]CTGGGGGAGGCAGTGTCCAGGCGTCAGGGCAGTTCTTCCCAGGAGGACCCACAGGAGGCT-3'
Protein context (NP_055917.1, residues 1005-1025): VTVEIDNPEL[Ser1015=]VIVDSQEWRD